The following is an entry in ClinVar:

ClinVar aggregate classification (germline): Conflicting classifications of pathogenicity. Review status: criteria provided, conflicting classifications (1 of 4 stars). 2 submissions from 2 submitters: Uncertain significance (1); Likely benign (1). Last evaluated 2025-05-27.

Conditions:
Rhabdoid tumor predisposition syndrome 2 (RTPS2). Identifiers: Orphanet 231108, Orphanet 69077, MedGen C2750074, MONDO:0013224, OMIM 613325.

Submissions (2):

Labcorp Genetics (formerly Invitae), Labcorp
Classification: Likely benign for Rhabdoid tumor predisposition syndrome 2. Last evaluated: 2025-05-27. Review status: criteria provided, single submitter. Criteria: Invitae Variant Classification Sherloc (09022015). Collection method: clinical testing. Allele origin: germline.

Quest Diagnostics Nichols Institute San Juan Capistrano
Classification: Uncertain significance. Last evaluated: 2025-04-24. Review status: criteria provided, single submitter. Criteria: Quest Diagnostics criteria. Collection method: clinical testing. Allele origin: unknown.
Comment: The SMARCA4 c.2439-10G>A variant has not been reported in individuals with SMARCA4-related conditions in the published literature. It also has not been reported in large, multi-ethnic general populations (Genome Aggregation Database). Analysis of this variant using software algorithms for the prediction of the effect of nucleotide changes on splicing yielded predictions that this variant does not affect SMARCA4 mRNA splicing. Based on the available information, we are unable to determine the clinical significance of this variant.

NM_003072.5(SMARCA4):c.2439-10G>A

Gene: SMARCA4 (SWI/SNF related BAF chromatin remodeling complex subunit ATPase 4; plus strand). Cytogenetic location: 19p13.2.
Variant type: single nucleotide variant.
Coding change: c.2439-10G>A on transcript NM_003072.5 (MANE Select); 10 bases into the intron before coding-DNA position 2439, G replaced by A.
Molecular consequence: intron variant.
Genome position (GRCh38, 1-based): chr19:11,018,947, G>A. VCF-style: chr19-11018947-G-A. GRCh37 (hg19) VCF-style: chr19-11129623-G-A.
Other names: c.2439-10G>A (NM_001128844.3, NM_001128849.3, NM_001128847.4 and 5 more transcripts).
Identifiers: ClinVar variation 566268 (VCV000566268.7), dbSNP rs1060504469, ClinGen allele CA891843598.